The following is an entry in ClinVar:

ClinVar aggregate classification (germline): Pathogenic (1 of 4 stars; one submission).

Conditions:
Vici syndrome (VICIS). Identifiers: Orphanet 1493, MedGen C1855772, MONDO:0009452, OMIM 242840.

Allele frequency attached by ClinVar (database versions not stated): gnomAD exomes below 0.00001.
gnomAD v4.1: 2 of 1,614,182 alleles (0.00012%); highest among the groups gnomAD compares: Non-Finnish European, 0.00017%; no homozygotes.

Submission:

Labcorp Genetics (formerly Invitae), Labcorp
Classification: Pathogenic for Vici syndrome. Last evaluated: 2023-04-07. Review status: criteria provided, single submitter. Criteria: Invitae Variant Classification Sherloc (09022015). Collection method: clinical testing. Allele origin: germline.
Comment: For these reasons, this variant has been classified as Pathogenic. This variant has not been reported in the literature in individuals affected with EPG5-related conditions. This variant is present in population databases (no rsID available, gnomAD 0.0009%). This sequence change creates a premature translational stop signal (p.Ser389*) in the EPG5 gene. It is expected to result in an absent or disrupted protein product. Loss-of-function variants in EPG5 are known to be pathogenic (PMID: 23222957, 23674064).

Literature cited by the submitters: PubMed 23222957; PubMed 23674064.

NM_020964.3(EPG5):c.1166C>G (p.Ser389Ter)

Gene: EPG5 (ectopic P-granules 5 autophagy tethering factor; minus strand). Cytogenetic location: 18q21.1.
Variant type: single nucleotide variant.
Coding change: c.1166C>G on transcript NM_020964.3 (MANE Select); coding-DNA position 1166, C replaced by G.
Protein change: p.Ser389Ter; replaces serine 389 with a stop codon.
Molecular consequence: nonsense.
Genome position (GRCh38, 1-based): chr18:45,952,486, G>C on the plus strand (C>G on the coding strand, the complement: EPG5 is on the minus strand). VCF-style: chr18-45952486-G-C. GRCh37 (hg19) VCF-style: chr18-43532452-G-C.
Other names: c.1166C>G, p.Ser389Ter (NM_001410858.1, NM_001410859.1); short protein forms S389*.
Identifiers: ClinVar variation 2853255 (VCV002853255.3), dbSNP rs1281626933, ClinGen allele CA402350040.
Genomic context (GRCh38, chr18:45,952,486, plus strand): 5'-GATCTCAGAACAGCTGAACTACTGAGCAATGCATAGATGTAAGACTCCACTTGCAATCTT[G>C]AGAGCACAGAAGTATAAGAATGAAGGGCCAGGGTCTGGTGGAGGTGCTCAGATTTGGCAT-3'